The following is an entry in ClinVar:

NM_007294.4(BRCA1):c.4657T>C (p.Leu1553=)

Gene: BRCA1 (BRCA1 DNA repair associated; minus strand). Cytogenetic location: 17q21.31.
Variant type: single nucleotide variant.
Coding change: c.4657T>C on transcript NM_007294.4 (MANE Select); coding-DNA position 4657, T replaced by C.
Protein change: p.Leu1553=; no amino-acid change (leucine 1553 retained).
Molecular consequence: synonymous variant. On other transcripts: intron variant (3).
Genome position (GRCh38, 1-based): chr17:43,074,349, A>G on the plus strand (T>C on the coding strand, the complement: BRCA1 is on the minus strand). VCF-style: chr17-43074349-A-G. GRCh37 (hg19) VCF-style: chr17-41226366-A-G.
Other names: c.1342T>C, p.Leu448= (NM_001408401.1, NM_001408402.1, NM_001408403.1 and 8 more transcripts); c.1339T>C, p.Leu447= (NM_001408406.1, NM_001408407.1, NM_001408408.1); c.1336T>C, p.Leu446= (NM_001408409.1); c.1273T>C, p.Leu425= (NM_001408410.1); c.1270T>C, p.Leu424= (NM_001408411.1); c.1267T>C, p.Leu423= (NM_001408412.1, NM_001408413.1, NM_001408414.1 and 2 more transcripts); c.1231T>C, p.Leu411= (NM_001408418.1, NM_001408419.1, NM_001408420.1); c.1228T>C, p.Leu410= (NM_001408421.1, NM_001408422.1, NM_001408423.1 and 1 more transcripts); and 71 more.
Identifiers: ClinVar variation 427315 (VCV000427315.23), dbSNP rs80357431, ClinGen allele CA052643.

ClinVar aggregate classification (germline): Likely benign. Review status: reviewed by expert panel (3 of 4 stars). 6 submissions from 6 submitters: Likely benign (1). 5 of the submissions do not count toward it. Last evaluated 2017-06-29.

Conditions:
Hereditary cancer-predisposing syndrome. Also called: Neoplastic Syndromes, Hereditary; Hereditary neoplastic syndrome; Tumor predisposition; Hereditary Cancer Syndrome. Identifiers: Orphanet 140162, MedGen C0027672, MeSH D009386, MONDO:0015356.
Hereditary breast ovarian cancer syndrome. Also called: Hereditary breast and ovarian cancer syndrome (HBOC); BRCA1- and BRCA2-Associated Hereditary Breast and Ovarian Cancer; Hereditary breast and/or ovarian cancer syndrome; Hereditary breast and ovarian cancer syndrome; Hereditary breast and ovarian cancer; Breast and ovarian cancer. Identifiers: Orphanet 145, MedGen C0677776, MeSH D061325, MONDO:0003582. Disease mechanism: loss of function.
Breast-ovarian cancer, familial, susceptibility to, 1 (BROVCA1). Also called: BRCA1 Hereditary Breast and Ovarian Cancer; OVARIAN CANCER, SUSCEPTIBILITY TO. Identifiers: Orphanet 145, MedGen C2676676, MONDO:0011450, OMIM 604370. Disease mechanism: loss of function.

Allele frequency attached by ClinVar (database versions not stated): gnomAD 0.00003 and 0.00004.
gnomAD v4.1: 7 of 1,613,926 alleles (0.00043%); highest among the groups gnomAD compares: African/African-American, 0.0093%; no homozygotes.

Submissions (6):

Evidence-based Network for the Interpretation of Germline Mutant Alleles (ENIGMA)
Classification: Likely benign for Breast-ovarian cancer, familial, susceptibility to, 1. Last evaluated: 2017-06-29. Review status: reviewed by expert panel. Criteria: ENIGMA BRCA1/2 Classification Criteria (2017-06-29). Collection method: curation. Allele origin: germline.
Comment: Synonymous substitution variant, with low bioinformatic likelihood to result in a splicing aberration (Splicing prior probability 0.02).

Labcorp Genetics (formerly Invitae), Labcorp
Classification: Likely benign for Hereditary breast ovarian cancer syndrome. Last evaluated: 2025-08-27. Review status: criteria provided, single submitter. Criteria: Invitae Variant Classification Sherloc (09022015). Collection method: clinical testing. Allele origin: germline. Not counted in ClinVar's aggregate classification.

Color Diagnostics, LLC DBA Color Health
Classification: Likely benign for Hereditary cancer-predisposing syndrome. Last evaluated: 2022-04-26. Review status: criteria provided, single submitter. Criteria: ACMG Guidelines, 2015. Collection method: clinical testing. Allele origin: germline. Not counted in ClinVar's aggregate classification.

Women's Health and Genetics/Laboratory Corporation of America, LabCorp
Classification: Likely benign. Last evaluated: 2019-10-03. Review status: criteria provided, single submitter. Criteria: LabCorp Variant Classification Summary - May 2015. Collection method: clinical testing. Allele origin: germline. Not counted in ClinVar's aggregate classification.

Ambry Genetics
Classification: Likely benign for Hereditary cancer-predisposing syndrome. Last evaluated: 2019-03-04. Review status: criteria provided, single submitter. Criteria: Ambry Variant Classification Scheme 2023. Collection method: clinical testing. Allele origin: germline. Not counted in ClinVar's aggregate classification.

GeneDx
Classification: Likely benign. Last evaluated: 2019-01-29. Review status: criteria provided, single submitter. Criteria: GeneDx Variant Classification Process June 2021. Collection method: clinical testing. Allele origin: germline. Affected: yes. Not counted in ClinVar's aggregate classification.